The following is an entry in ClinVar:

ClinVar aggregate classification (germline): Uncertain significance. Review status: criteria provided, multiple submitters, no conflicts (2 of 4 stars). 2 submissions from 2 submitters: Uncertain significance (2). Last evaluated 2024-10-22.

Conditions:
Hereditary cancer-predisposing syndrome. Also called: Tumor predisposition; Hereditary Cancer Syndrome; Hereditary neoplastic syndrome; Neoplastic Syndromes, Hereditary. Identifiers: Orphanet 140162, MedGen C0027672, MeSH D009386, MONDO:0015356.
POLD1-related polyposis and colorectal cancer syndrome (CRCS10). Also called: Colorectal cancer 10; COLORECTAL CANCER, SUSCEPTIBILITY TO, ON CHROMOSOME 19q; Colorectal cancer, susceptibility to, 10. Identifiers: Orphanet 220460, MedGen C2675481, MONDO:0012953, OMIM 612591.

Allele frequency attached by ClinVar (database versions not stated): TOPMed below 0.00001; gnomAD exomes 0.00001; ExAC 0.00003.
gnomAD v4.1: 4 of 1,598,846 alleles (0.00025%); highest among the groups gnomAD compares: South Asian, 0.0034%; no homozygotes.

Submissions (2):

Labcorp Genetics (formerly Invitae), Labcorp
Classification: Uncertain significance for POLD1-related polyposis and colorectal cancer syndrome. Last evaluated: 2024-10-22. Review status: criteria provided, single submitter. Criteria: Invitae Variant Classification Sherloc (09022015). Collection method: clinical testing. Allele origin: germline.
Comment: This sequence change replaces glycine, which is neutral and non-polar, with aspartic acid, which is acidic and polar, at codon 21 of the POLD1 protein (p.Gly21Asp). The frequency data for this variant in the population databases is considered unreliable, as metrics indicate poor data quality at this position in the gnomAD database. This variant has not been reported in the literature in individuals affected with POLD1-related conditions. ClinVar contains an entry for this variant (Variation ID: 1018486). Experimental studies and prediction algorithms are not available or were not evaluated, and the functional significance of this variant is currently unknown. In summary, the available evidence is currently insufficient to determine the role of this variant in disease. Therefore, it has been classified as a Variant of Uncertain Significance.

Ambry Genetics
Classification: Uncertain significance for Hereditary cancer-predisposing syndrome. Last evaluated: 2023-12-02. Review status: criteria provided, single submitter. Criteria: Ambry Variant Classification Scheme 2023. Collection method: clinical testing. Allele origin: germline.
Comment: The p.G21D variant (also known as c.62G>A), located in coding exon 1 of the POLD1 gene, results from a G to A substitution at nucleotide position 62. The glycine at codon 21 is replaced by aspartic acid, an amino acid with similar properties. This amino acid position is conserved. In addition, this alteration is predicted to be tolerated by in silico analysis. Since supporting evidence is limited at this time, the clinical significance of this alteration remains unclear.

NM_002691.4(POLD1):c.62G>A (p.Gly21Asp)

Gene: POLD1 (DNA polymerase delta 1, catalytic subunit; plus strand). Cytogenetic location: 19q13.33.
Variant type: single nucleotide variant.
Coding change: c.62G>A on transcript NM_002691.4 (MANE Select); coding-DNA position 62, G replaced by A.
Protein change: p.Gly21Asp; replaces glycine 21 with aspartic acid.
Molecular consequence: missense variant. On other transcripts: non-coding transcript variant (1).
Genome position (GRCh38, 1-based): chr19:50,398,913, G>A. VCF-style: chr19-50398913-G-A. GRCh37 (hg19) VCF-style: chr19-50902170-G-A.
Other names: c.62G>A, p.Gly21Asp (NM_001256849.1, NM_001308632.1); c.62G>A (NM_002691.2); short protein forms G21D.
Identifiers: ClinVar variation 1018486 (VCV001018486.9), dbSNP rs771371900, ClinGen allele CA9595601.